The following is an entry in ClinVar:

ClinVar aggregate classification (germline): Benign (0 of 4 stars; one submission).

Conditions:
LRCH3-related disorder. Also called: LRCH3-related condition.

Allele frequency attached by ClinVar (database versions not stated): ESP Exome Variant Server 0.72705; TOPMed 0.73588; gnomAD 0.74626; 1000 Genomes Project 30x 0.75453; 1000 Genomes Project 0.76398; ExAC 0.80640; gnomAD exomes 0.81133.
gnomAD v4.1: 1,294,851 of 1,608,620 alleles (80%); highest among the groups gnomAD compares: East Asian, 91%; 524,488 homozygotes.

Submission:

PreventionGenetics, part of Exact Sciences
Classification: Benign for LRCH3-related condition. Last evaluated: 2019-10-16. Review status: no assertion criteria provided. Collection method: clinical testing. Allele origin: germline.
Comment: This variant is classified as benign based on ACMG/AMP sequence variant interpretation guidelines (Richards et al. 2015 PMID: 25741868, with internal and published modifications).

NM_001365715.1(LRCH3):c.888-6C>T

Gene: LRCH3 (leucine rich repeats and calponin homology domain containing 3; plus strand). Cytogenetic location: 3q29.
Variant type: single nucleotide variant.
Coding change: c.888-6C>T on transcript NM_001365715.1 (MANE Select); 6 bases into the intron before coding-DNA position 888, C replaced by T.
Molecular consequence: intron variant.
Genome position (GRCh38, 1-based): chr3:197,830,764, C>T. VCF-style: chr3-197830764-C-T. GRCh37 (hg19) VCF-style: chr3-197557635-C-T.
Other names: c.888-6C>T (NM_001363887.1, NM_001365716.1, NM_001365718.1 and 3 more transcripts).
Identifiers: ClinVar variation 3060060 (VCV003060060.2), dbSNP rs501101, ClinGen allele CA2788137.